The following is an entry in ClinVar:

NM_000135.4(FANCA):c.3547T>G (p.Cys1183Gly)

Gene: FANCA (FA complementation group A; minus strand). Cytogenetic location: 16q24.3.
Variant type: single nucleotide variant.
Coding change: c.3547T>G on transcript NM_000135.4 (MANE Select); coding-DNA position 3547, T replaced by G.
Protein change: p.Cys1183Gly; replaces cysteine 1183 with glycine.
Molecular consequence: missense variant.
Genome position (GRCh38, 1-based): chr16:89,745,038, A>C on the plus strand (T>G on the coding strand, the complement: FANCA is on the minus strand). VCF-style: chr16-89745038-A-C. GRCh37 (hg19) VCF-style: chr16-89811446-A-C.
Other names: c.3547T>G, p.Cys1183Gly (NM_001286167.3); short protein forms C1183G.
Identifiers: ClinVar variation 1343431 (VCV001343431.10), dbSNP rs763856094, ClinGen allele CA8251102.
Genomic context (GRCh38, chr16:89,745,038, plus strand): 5'-CTTCTTGTAGCTTCTGCAGTTCCCGGGGCAGCGGGCTCTGGCAGTGTCTCCTCCACCGGC[A>C]GAGCAGCACAGGCTCCAGGCTCGGCCACCACACCTATGGAGAGAGCACCAGCACACAGAT-3'
Protein context (NP_000126.2, residues 1173-1193): WWPSLEPVLL[Cys1183Gly]RWRRHCQSPL

ClinVar aggregate classification (germline): Uncertain significance. Review status: criteria provided, multiple submitters, no conflicts (2 of 4 stars). 3 submissions from 3 submitters: Uncertain significance (3). Last evaluated 2026-01-03.

Conditions:
Fanconi anemia (FA). Also called: Fanconi's anemia. Identifiers: Orphanet 84, MedGen C0015625, MeSH D005199, MONDO:0019391.
Inborn genetic diseases. Identifiers: MedGen C0950123, MeSH D030342.

Allele frequency attached by ClinVar (database versions not stated): gnomAD exomes below 0.00001; ExAC 0.00001.
gnomAD v4.1: 1 of 1,609,746 alleles (0.000062%); highest among the groups gnomAD compares: Admixed American, 0.0017%; no homozygotes.

Submissions (3):

Ambry Genetics
Classification: Uncertain significance for Inborn genetic diseases. Last evaluated: 2026-01-03. Review status: criteria provided, single submitter. Criteria: Ambry Variant Classification Scheme 2023. Collection method: clinical testing. Allele origin: germline.
Comment: The p.C1183G variant (also known as c.3547T>G), located in coding exon 36 of the FANCA gene, results from a T to G substitution at nucleotide position 3547. The cysteine at codon 1183 is replaced by glycine, an amino acid with highly dissimilar properties. This amino acid position is conserved. In addition, this alteration is predicted to be tolerated by in silico analysis. Based on the available evidence, the clinical significance of this variant remains unclear.

Labcorp Genetics (formerly Invitae), Labcorp
Classification: Uncertain significance for Fanconi anemia. Last evaluated: 2025-09-10. Review status: criteria provided, single submitter. Criteria: Invitae Variant Classification Sherloc (09022015). Collection method: clinical testing. Allele origin: germline.
Comment: This sequence change replaces cysteine, which is neutral and slightly polar, with glycine, which is neutral and non-polar, at codon 1183 of the FANCA protein (p.Cys1183Gly). This variant is present in population databases (rs763856094, gnomAD 0.003%). This variant has not been reported in the literature in individuals affected with FANCA-related conditions. ClinVar contains an entry for this variant (Variation ID: 1343431). Invitae Evidence Modeling of protein sequence and biophysical properties (such as structural, functional, and spatial information, amino acid conservation, physicochemical variation, residue mobility, and thermodynamic stability) indicates that this missense variant is not expected to disrupt FANCA protein function with a negative predictive value of 95%. In summary, the available evidence is currently insufficient to determine the role of this variant in disease. Therefore, it has been classified as a Variant of Uncertain Significance.

Women's Health and Genetics/Laboratory Corporation of America, LabCorp
Classification: Uncertain significance. Last evaluated: 2022-02-17. Review status: criteria provided, single submitter. Criteria: LabCorp Variant Classification Summary - May 2015. Collection method: clinical testing. Allele origin: germline.